The following is an entry in ClinVar:

ClinVar aggregate classification (germline): Uncertain significance (1 of 4 stars; one submission).

Conditions:
Familial cold autoinflammatory syndrome 2 (FCAS2). Identifiers: Orphanet 247868, MedGen C2673198, MONDO:0012724, OMIM 611762.

Submission:

Labcorp Genetics (formerly Invitae), Labcorp
Classification: Uncertain significance for Familial cold autoinflammatory syndrome 2. Last evaluated: 2020-11-21. Review status: criteria provided, single submitter. Criteria: Invitae Variant Classification Sherloc (09022015). Collection method: clinical testing. Allele origin: germline.
Comment: In summary, the available evidence is currently insufficient to determine the role of this variant in disease. Therefore, it has been classified as a Variant of Uncertain Significance. Algorithms developed to predict the effect of missense changes on protein structure and function are either unavailable or do not agree on the potential impact of this missense change (SIFT: "Deleterious"; PolyPhen-2: "Probably Damaging"; Align-GVGD: "Class C0"). This variant has not been reported in the literature in individuals with NLRP12-related conditions. This variant is not present in population databases (ExAC no frequency). This sequence change replaces leucine with proline at codon 777 of the NLRP12 protein (p.Leu777Pro). The leucine residue is moderately conserved and there is a moderate physicochemical difference between leucine and proline.

NM_144687.4(NLRP12):c.2330T>C (p.Leu777Pro)

Gene: NLRP12 (NLR family pyrin domain containing 12; minus strand). Cytogenetic location: 19q13.42.
Variant type: single nucleotide variant.
Coding change: c.2330T>C on transcript NM_144687.4 (MANE Select); coding-DNA position 2330, T replaced by C.
Protein change: p.Leu777Pro; replaces leucine 777 with proline.
Molecular consequence: missense variant.
Genome position (GRCh38, 1-based): chr19:53,805,364, A>G on the plus strand (T>C on the coding strand, the complement: NLRP12 is on the minus strand). VCF-style: chr19-53805364-A-G. GRCh37 (hg19) VCF-style: chr19-54308618-A-G.
Other names: c.2333T>C, p.Leu778Pro (NM_001277126.2); c.2330T>C, p.Leu777Pro (NM_001277129.1); short protein forms L777P, L778P.
Identifiers: ClinVar variation 1424936 (VCV001424936.8), dbSNP rs2122610100, ClinGen allele CA407410441.